The following is an entry in ClinVar:

NM_001387430.1(SH2B1):c.613G>A (p.Gly205Arg)

Gene: SH2B1 (SH2B adaptor protein 1; plus strand). Cytogenetic location: 16p11.2.
Variant type: single nucleotide variant.
Coding change: c.613G>A on transcript NM_001387430.1 (MANE Select); coding-DNA position 613, G replaced by A.
Protein change: p.Gly205Arg; replaces glycine 205 with arginine.
Molecular consequence: missense variant. On other transcripts: intron variant (1).
Genome position (GRCh38, 1-based): chr16:28,866,707, G>A. VCF-style: chr16-28866707-G-A. GRCh37 (hg19) VCF-style: chr16-28878028-G-A.
Other names: c.613G>A, p.Gly205Arg (NM_001145795.2, NM_001145796.2, NM_001145797.2 and 4 more transcripts); c.-26-667G>A (NM_001308294.2); c.613G>A (NM_001145795.1); short protein forms G205R.
Identifiers: ClinVar variation 1443414 (VCV001443414.12), dbSNP rs372038271, ClinGen allele CA7985969.
Genomic context (GRCh38, chr16:28,866,707, plus strand): 5'-CTGGAGACCTCGTCAGGCCCCCCAGTCTTAGGTGGAAACAGCAACTCCAACTCCTCTGGC[G>A]GGGCTGGGACCGTTGGTAGGGGACTGGTCAGTGATGGAACGTCCCCTGGGGAAAGATGGA-3'
Protein context (NP_001374359.1, residues 195-215): GGNSNSNSSG[Gly205Arg]AGTVGRGLVS

ClinVar aggregate classification (germline): Uncertain significance. Review status: criteria provided, single submitter (1 of 4 stars). 2 submissions from 2 submitters: Uncertain significance (1). 1 of the submissions does not count toward it. Last evaluated 2025-09-23.

Conditions:
SH2B1-related disorder. Also called: SH2B1-related condition.

Allele frequency attached by ClinVar (database versions not stated): ExAC 0.00005; gnomAD exomes 0.00005 and 0.00006; ESP Exome Variant Server 0.00008; gnomAD 0.00012 and 0.00014.

Submissions (2):

Labcorp Genetics (formerly Invitae), Labcorp
Classification: Uncertain significance. Last evaluated: 2025-09-23. Review status: criteria provided, single submitter. Criteria: Invitae Variant Classification Sherloc (09022015). Collection method: clinical testing. Allele origin: germline.
Comment: This sequence change replaces glycine, which is neutral and non-polar, with arginine, which is basic and polar, at codon 205 of the SH2B1 protein (p.Gly205Arg). This variant is present in population databases (rs372038271, gnomAD 0.01%). This variant has been observed in lean adult individual(s) (PMID: 26031769). ClinVar contains an entry for this variant (Variation ID: 1443414). An algorithm developed to predict the effect of missense changes on protein structure and function (PolyPhen-2) suggests that this variant is likely to be disruptive. In summary, the available evidence is currently insufficient to determine the role of this variant in disease. Therefore, it has been classified as a Variant of Uncertain Significance.

PreventionGenetics, part of Exact Sciences
Classification: Uncertain significance for SH2B1-related condition. Last evaluated: 2024-02-21. Review status: no assertion criteria provided. Collection method: clinical testing. Allele origin: germline. Not counted in ClinVar's aggregate classification.
Comment: The SH2B1 c.613G>A variant is predicted to result in the amino acid substitution p.Gly205Arg. To our knowledge, this variant has not been reported in individuals with SH2B1-related disease; however, it has been reported in a lean individual (Aerts et al. 2015. PubMed ID: 26031769). This variant is reported in 0.012% of alleles in individuals of Ashkenazi Jewish descent in gnomAD. At this time, the clinical significance of this variant is uncertain due to the absence of conclusive functional and genetic evidence.

Literature cited by the submitters: PubMed 26031769 (cited by Labcorp Genetics (formerly Invitae), Labcorp).